The following is an entry in ClinVar:

NM_018063.5(HELLS):c.491C>T (p.Ser164Phe)

Gene: HELLS (helicase, lymphoid specific; plus strand). Cytogenetic location: 10q23.33.
Variant type: single nucleotide variant.
Coding change: c.491C>T on transcript NM_018063.5 (MANE Select); coding-DNA position 491, C replaced by T.
Protein change: p.Ser164Phe; replaces serine 164 with phenylalanine.
Molecular consequence: missense variant. On other transcripts: 5 prime UTR variant (2).
Genome position (GRCh38, 1-based): chr10:94,573,973, C>T. VCF-style: chr10-94573973-C-T. GRCh37 (hg19) VCF-style: chr10-96333730-C-T.
Other names: c.491C>T, p.Ser164Phe (NM_001289067.2, NM_001289069.2, NM_001289070.2 and 1 more transcripts); c.443C>T, p.Ser148Phe (NM_001289068.2); c.119C>T, p.Ser40Phe (NM_001289071.2); c.77C>T, p.Ser26Phe (NM_001289073.2); c.-512C>T (NM_001289074.2); c.-531C>T (NM_001289075.2); short protein forms S26F, S164F, S40F, S148F.
Identifiers: ClinVar variation 2014455 (VCV002014455.1), dbSNP rs1844311821, ClinGen allele CA377659041.
Genomic context (GRCh38, chr10:94,573,973, plus strand): 5'-AGCAGCATTTTGTATAACACATCTTATTAAACTTTTTTTCTCTACAGGATGAAAACTCCT[C>T]CTCTACTAATCTCTGTGTGGAAGATCTTCAGAAAAATAAAGATTCGAATAGTATAATTAA-3'
Protein context (NP_060533.2, residues 154-174): NKKENEDENS[Ser164Phe]STNLCVEDLQ

ClinVar aggregate classification (germline): Uncertain significance (1 of 4 stars; one submission).

Allele frequency attached by ClinVar (database versions not stated): gnomAD exomes below 0.00001; TOPMed 0.00001.
gnomAD v4.1: 1 of 1,601,834 alleles (0.000062%); highest among the groups gnomAD compares: Non-Finnish European, 0.000085%; no homozygotes.

Submission:

Labcorp Genetics (formerly Invitae), Labcorp
Classification: Uncertain significance. Last evaluated: 2022-08-20. Review status: criteria provided, single submitter. Criteria: Invitae Variant Classification Sherloc (09022015). Collection method: clinical testing. Allele origin: germline.
Comment: This sequence change replaces serine, which is neutral and polar, with phenylalanine, which is neutral and non-polar, at codon 164 of the HELLS protein (p.Ser164Phe). This variant is not present in population databases (gnomAD no frequency). This variant has not been reported in the literature in individuals affected with HELLS-related conditions. Algorithms developed to predict the effect of missense changes on protein structure and function (SIFT, PolyPhen-2, Align-GVGD) all suggest that this variant is likely to be tolerated. In summary, the available evidence is currently insufficient to determine the role of this variant in disease. Therefore, it has been classified as a Variant of Uncertain Significance.